The following is an entry in ClinVar:

ClinVar aggregate classification (germline): Pathogenic (1 of 4 stars; one submission).

Submission:

GeneDx
Classification: Pathogenic. Last evaluated: 2024-01-03. Review status: criteria provided, single submitter. Criteria: GeneDx Variant Classification Process June 2021. Collection method: clinical testing. Allele origin: germline. Affected: yes.
Comment: Not observed at significant frequency in large population cohorts (gnomAD); In silico analysis supports that this missense variant has a deleterious effect on protein structure/function; Has not been previously published as pathogenic or benign to our knowledge

NM_012398.3(PIP5K1C):c.625C>T (p.Leu209Phe)

Gene: PIP5K1C (phosphatidylinositol-4-phosphate 5-kinase type 1 gamma; minus strand). Cytogenetic location: 19p13.3.
Variant type: single nucleotide variant.
Coding change: c.625C>T on transcript NM_012398.3 (MANE Select); coding-DNA position 625, C replaced by T.
Protein change: p.Leu209Phe; replaces leucine 209 with phenylalanine.
Molecular consequence: missense variant.
Genome position (GRCh38, 1-based): chr19:3,653,586, G>A on the plus strand (C>T on the coding strand, the complement: PIP5K1C is on the minus strand). VCF-style: chr19-3653586-G-A. GRCh37 (hg19) VCF-style: chr19-3653584-G-A.
Other names: c.625C>T, p.Leu209Phe (NM_001195733.2, NM_001300849.2); short protein forms L209F.
Identifiers: ClinVar variation 3340944 (VCV003340944.1).